The following is an entry in ClinVar:

ClinVar aggregate classification (germline): Uncertain significance (1 of 4 stars; one submission).

Allele frequency attached by ClinVar (database versions not stated): TOPMed 0.00001; ExAC 0.00002.
gnomAD v4.1: 34 of 1,614,138 alleles (0.0021%); highest among the groups gnomAD compares: Non-Finnish European, 0.0025%; no homozygotes.

Submission:

Labcorp Genetics (formerly Invitae), Labcorp
Classification: Uncertain significance. Last evaluated: 2025-05-22. Review status: criteria provided, single submitter. Criteria: Invitae Variant Classification Sherloc (09022015). Collection method: clinical testing. Allele origin: germline.
Comment: This sequence change replaces methionine, which is neutral and non-polar, with arginine, which is basic and polar, at codon 826 of the REST protein (p.Met826Arg). This variant is present in population databases (rs754996610, gnomAD 0.007%). This variant has not been reported in the literature in individuals affected with REST-related conditions. ClinVar contains an entry for this variant (Variation ID: 1437260). An algorithm developed to predict the effect of missense changes on protein structure and function (PolyPhen-2) suggests that this variant is likely to be tolerated. In summary, the available evidence is currently insufficient to determine the role of this variant in disease. Therefore, it has been classified as a Variant of Uncertain Significance.

NM_005612.5(REST):c.2477T>G (p.Met826Arg)

Gene: REST (RE1 silencing transcription factor; plus strand). Cytogenetic location: 4q12.
Variant type: single nucleotide variant.
Coding change: c.2477T>G on transcript NM_005612.5 (MANE Select); coding-DNA position 2477, T replaced by G.
Protein change: p.Met826Arg; replaces methionine 826 with arginine.
Molecular consequence: missense variant.
Genome position (GRCh38, 1-based): chr4:56,931,335, T>G. VCF-style: chr4-56931335-T-G. GRCh37 (hg19) VCF-style: chr4-57797501-T-G.
Other names: c.2477T>G, p.Met826Arg (NM_001193508.2, NM_001363453.3); short protein forms M826R.
Identifiers: ClinVar variation 1437260 (VCV001437260.8), dbSNP rs754996610, ClinGen allele CA2932492.